The following is an entry in ClinVar:

ClinVar aggregate classification (germline): Pathogenic. Review status: criteria provided, multiple submitters, no conflicts (2 of 4 stars). 3 submissions from 3 submitters: Pathogenic (3). Last evaluated 2025-08-07.

Conditions:
X-linked Alport syndrome (ATS1). Also called: COL4A5-Related Nephropathy; NEPHROPATHY AND DEAFNESS, X-LINKED. Identifiers: Orphanet 63, Orphanet 88917, MedGen C4746986, MONDO:0010520, OMIM 301050.
Hematuria. Identifiers: MedGen C0018965, HP:0000790.

Submissions (3):

Genetics Laboratory, Great Ormond Street Hospital NHS Foundation Trust, North Thames Genomic Laboratory Hub
Classification: Pathogenic for Haematuria. Last evaluated: 2025-08-07. Review status: criteria provided, single submitter. Criteria: ACGS Best Practice Guidelines for Variant Classification in Rare Disease 2024 v1.2. Collection method: clinical testing. Allele origin: germline. Affected: yes.
Comment: PS4_moderate, PM2_moderate, PVS1_very-strong, PP4_supporting

Labcorp Genetics (formerly Invitae), Labcorp
Classification: Pathogenic. Last evaluated: 2021-01-15. Review status: criteria provided, single submitter. Criteria: Invitae Variant Classification Sherloc (09022015). Collection method: clinical testing. Allele origin: germline.
Comment: This sequence change falls in intron 38 of the COL4A5 gene. It does not directly change the encoded amino acid sequence of the COL4A5 protein. This variant is not present in population databases (ExAC no frequency). This variant has been observed in individual(s) with clinical features of Alport syndrome (PMID: 10862091, Invitae). This variant is also known as 3657-9A>G in the literature. ClinVar contains an entry for this variant (Variation ID: 24633). Experimental studies have shown that this variant disrupts mRNA splicing (PMID: 10862091). For these reasons, this variant has been classified as Pathogenic.

Neuberg Centre For Genomic Medicine, NCGM
Classification: Pathogenic for X-linked Alport syndrome. Review status: criteria provided, single submitter. Criteria: ACMG Guidelines, 2015. Collection method: clinical testing. Allele origin: germline. Inheritance: X-linked inheritance. Affected: yes.
Comment: The COL4A5 c.3455-9A>G variant has been reported in hemizygous state in individuals affected with Alport syndrome (Martin P et al.). Experimental studies have shown that this variant disrupts mRNA splicing (Martin P et al). The variant is novel (not in any individuals) in gnomAD Exomes and 1000 Genomes. This variant has been reported to the ClinVar database as Pathogenic. This sequence change falls in intron 38 of the COL4A5 gene. For these reasons, this variant has been classified as Pathogenic.

Literature cited by the submitters: PubMed 10862091 (cited by Labcorp Genetics (formerly Invitae), Labcorp).

NM_033380.3(COL4A5):c.3455-9A>G

Gene: COL4A5 (collagen type IV alpha 5 chain; plus strand). Cytogenetic location: Xq22.3.
Variant type: single nucleotide variant.
Coding change: c.3455-9A>G on transcript NM_033380.3 (MANE Select); 9 bases into the intron before coding-DNA position 3455, A replaced by G.
Molecular consequence: intron variant.
Genome position (GRCh38, 1-based): chrX:108,666,487, A>G. VCF-style: chrX-108666487-A-G. GRCh37 (hg19) VCF-style: chrX-107909717-A-G.
Other names: c.3455-9A>G (NM_000495.5).
Identifiers: ClinVar variation 24633 (VCV000024633.11), dbSNP rs104886388, ClinGen allele CA258868.